The following is an entry in ClinVar:

ClinVar aggregate classification (germline): Uncertain significance (1 of 4 stars; one submission).

Conditions:
Loeys-Dietz syndrome 2 (LDS2). Also called: Marfan syndrome, type 2 (formerly); AORTIC ANEURYSM, FAMILIAL THORACIC 3; MARFAN SYNDROME, TYPE II; TGFBR2-Related Loeys-Dietz Syndrome; Marfan Syndrome type 2; Marfan like connective tissue disorder. Identifiers: Orphanet 284973, Orphanet 558, MedGen C2674574, MONDO:0012427, OMIM 610168.

Allele frequency attached by ClinVar (database versions not stated): gnomAD 0.00001.
gnomAD v4.1: 4 of 1,612,948 alleles (0.00025%); highest among the groups gnomAD compares: Admixed American, 0.0017%; no homozygotes.

Submission:

Labcorp Genetics (formerly Invitae), Labcorp
Classification: Uncertain significance for Loeys-Dietz syndrome 2. Last evaluated: 2021-12-25. Review status: criteria provided, single submitter. Criteria: Invitae Variant Classification Sherloc (09022015). Collection method: clinical testing. Allele origin: germline.
Comment: This sequence change replaces proline, which is neutral and non-polar, with leucine, which is neutral and non-polar, at codon 2 of the TMPO protein (p.Pro2Leu). This variant is not present in population databases (gnomAD no frequency). This variant has not been reported in the literature in individuals affected with TMPO-related conditions. Algorithms developed to predict the effect of missense changes on protein structure and function are either unavailable or do not agree on the potential impact of this missense change (SIFT: "Deleterious"; PolyPhen-2: "Probably Damaging"; Align-GVGD: "Class C0"). In summary, the available evidence is currently insufficient to determine the role of this variant in disease. Therefore, it has been classified as a Variant of Uncertain Significance.

NM_001032283.3(TMPO):c.5C>T (p.Pro2Leu)

Genes: TMPO (thymopoietin; plus strand), TMPO-AS1 (TMPO antisense RNA 1; minus strand). Cytogenetic location: 12q23.1.
Variant type: single nucleotide variant.
Coding change: c.5C>T on transcript NM_001032283.3 (MANE Select); coding-DNA position 5, C replaced by T.
Protein change: p.Pro2Leu; replaces proline 2 with leucine.
Molecular consequence: missense variant. On other transcripts: non-coding transcript variant (1).
Genome position (GRCh38, 1-based): chr12:98,515,872, C>T. VCF-style: chr12-98515872-C-T. GRCh37 (hg19) VCF-style: chr12-98909650-C-T.
Other names: c.5C>T, p.Pro2Leu (NM_001032284.3, NM_001307975.2, NM_003276.2); short protein forms P2L.
Identifiers: ClinVar variation 2163058 (VCV002163058.4), dbSNP rs1875745280, ClinGen allele CA386239231.